The following is an entry in ClinVar:

ClinVar aggregate classification (germline): Pathogenic/Likely pathogenic. Review status: criteria provided, multiple submitters, no conflicts (2 of 4 stars). 2 submissions from 2 submitters: Pathogenic (1); Likely pathogenic (1). Last evaluated 2022-02-01.

Conditions:
ADAMTSL4-related disorder. Also called: ADAMTSL4-Related Disorders; ADAMTSL4-related condition.

gnomAD v4.1: 11 of 1,606,564 alleles (0.00068%); highest among the groups gnomAD compares: South Asian, 0.0011%; no homozygotes.

Submissions (2):

Institute for Clinical Genetics, University Hospital TU Dresden, University Hospital TU Dresden
Classification: Pathogenic. Last evaluated: 2022-02-01. Review status: criteria provided, single submitter. Criteria: ACMG Guidelines, 2015. Collection method: clinical testing. Allele origin: paternal.
Comment: PVS1, PP3, PM2_SUP

Blueprint Genetics
Classification: Likely pathogenic for ADAMTSL4-related disorders. Last evaluated: 2020-04-16. Review status: criteria provided, single submitter. Criteria: ACMG Guidelines, 2015. Collection method: clinical testing. Allele origin: germline. Affected: yes. Observed: 4 variant alleles.

NM_019032.6(ADAMTSL4):c.376C>T (p.Arg126Ter)

Genes: ADAMTSL4 (ADAMTS like 4; plus strand), ADAMTSL4-AS2 (ADAMTSL4 antisense RNA 2; minus strand). Cytogenetic location: 1q21.2.
Variant type: single nucleotide variant.
Coding change: c.376C>T on transcript NM_019032.6 (MANE Select); coding-DNA position 376, C replaced by T.
Protein change: p.Arg126Ter; replaces arginine 126 with a stop codon.
Molecular consequence: nonsense.
Genome position (GRCh38, 1-based): chr1:150,553,195, C>T. VCF-style: chr1-150553195-C-T. GRCh37 (hg19) VCF-style: chr1-150525671-C-T.
Other names: c.376C>T, p.Arg126Ter (NM_001288607.2, NM_001288608.2, NM_001378596.1 and 1 more transcripts); short protein forms R126*.
Identifiers: ClinVar variation 2575939 (VCV002575939.2), dbSNP rs971960235, ClinGen allele CA30066321.